The following is an entry in ClinVar:

NM_000018.4(ACADVL):c.1158G>A (p.Met386Ile)

Gene: ACADVL (acyl-CoA dehydrogenase very long chain; plus strand). Cytogenetic location: 17p13.1.
Variant type: single nucleotide variant.
Coding change: c.1158G>A on transcript NM_000018.4 (MANE Select); coding-DNA position 1158, G replaced by A.
Protein change: p.Met386Ile; replaces methionine 386 with isoleucine.
Molecular consequence: missense variant.
Genome position (GRCh38, 1-based): chr17:7,223,213, G>A. VCF-style: chr17-7223213-G-A. GRCh37 (hg19) VCF-style: chr17-7126532-G-A.
Other names: c.1092G>A, p.Met364Ile (NM_001033859.3); c.1227G>A, p.Met409Ile (NM_001270447.2); c.930G>A, p.Met310Ile (NM_001270448.2); short protein forms M409I, M364I, M310I, M386I.
Identifiers: ClinVar variation 1424862 (VCV001424862.6), dbSNP rs2142982416, ClinGen allele CA397724474.

ClinVar aggregate classification (germline): Uncertain significance (1 of 4 stars; one submission).

Conditions:
Very long chain acyl-CoA dehydrogenase deficiency (ACADVLD). Also called: VLCAD Deficiency; Very Long-Chain Acyl-Coenzyme A Dehydrogenase Deficiency. Identifiers: Orphanet 26793, MedGen C3887523, MONDO:0008723, OMIM 201475.

Submission:

Labcorp Genetics (formerly Invitae), Labcorp
Classification: Uncertain significance for Very long chain acyl-CoA dehydrogenase deficiency. Last evaluated: 2021-12-03. Review status: criteria provided, single submitter. Criteria: Invitae Variant Classification Sherloc (09022015). Collection method: clinical testing. Allele origin: germline.
Comment: This variant is not present in population databases (gnomAD no frequency). In summary, the available evidence is currently insufficient to determine the role of this variant in disease. Therefore, it has been classified as a Variant of Uncertain Significance. Advanced modeling of protein sequence and biophysical properties (such as structural, functional, and spatial information, amino acid conservation, physicochemical variation, residue mobility, and thermodynamic stability) performed at Invitae indicates that this missense variant is expected to disrupt ACADVL protein function. This variant has not been reported in the literature in individuals affected with ACADVL-related conditions. This sequence change replaces methionine, which is neutral and non-polar, with isoleucine, which is neutral and non-polar, at codon 386 of the ACADVL protein (p.Met386Ile).